The following is an entry in ClinVar:

ClinVar aggregate classification (germline): Conflicting classifications of pathogenicity. Review status: criteria provided, conflicting classifications (1 of 4 stars). 3 submissions from 3 submitters: Uncertain significance (1); Likely benign (2). Last evaluated 2026-01-14.

Conditions:
Congenital disorder of deglycosylation (CDDG). Identifiers: MedGen C3808991, MONDO:0031376.

Allele frequency attached by ClinVar (database versions not stated): gnomAD exomes 0.00006 and 0.00024; gnomAD 0.00008 and 0.00011; TOPMed 0.00012; ExAC 0.00021; 1000 Genomes Project 30x 0.00062; 1000 Genomes Project 0.00080.
gnomAD v4.1: 112 of 1,613,930 alleles (0.0069%); highest among the groups gnomAD compares: East Asian, 0.22%; no homozygotes.

Submissions (4):

Labcorp Genetics (formerly Invitae), Labcorp
Classification: Likely benign for Congenital disorder of deglycosylation. Last evaluated: 2026-01-14. Review status: criteria provided, single submitter. Criteria: Invitae Variant Classification Sherloc (09022015). Collection method: clinical testing. Allele origin: germline.

Blueprint Genetics
Classification: Uncertain significance. Last evaluated: 2023-11-29. Review status: criteria provided, single submitter. Criteria: ACMG Guidelines, 2015. Collection method: clinical testing. Allele origin: germline.

CeGaT Center for Human Genetics Tuebingen
Classification: Likely benign. Last evaluated: 2023-02-01. Review status: criteria provided, single submitter. Criteria: CeGaT Center For Human Genetics Tuebingen Variant Classification Criteria Version 2. Collection method: clinical testing. Allele origin: germline. Affected: yes. Observed: 1 variant allele.
Comment: NGLY1: BP4

Dr. Peter K. Rogan Lab, Western University
No classification provided (evidence only). Condition: Gastric cancer. Review status: no classification provided. Collection method: in vitro. Allele origin: not applicable. Functional consequence: retained intron. Not counted in ClinVar's aggregate classification.

NM_018297.4(NGLY1):c.492+4A>T

Gene: NGLY1 (N-glycanase 1; minus strand). Cytogenetic location: 3p24.2.
Variant type: single nucleotide variant.
Coding change: c.492+4A>T on transcript NM_018297.4 (MANE Select); 4 bases into the intron after coding-DNA position 492, A replaced by T.
Molecular consequence: intron variant.
Genome position (GRCh38, 1-based): chr3:25,764,062, T>A on the plus strand (A>T on the coding strand, the complement: NGLY1 is on the minus strand). VCF-style: chr3-25764062-T-A. GRCh37 (hg19) VCF-style: chr3-25805553-T-A.
Other names: c.366+4A>T (NM_001145294.2); c.492+4A>T (NM_001145295.2, NM_001145293.2).
Identifiers: ClinVar variation 474225 (VCV000474225.36), dbSNP rs181461044, ClinGen allele CA2289474.
Genomic context (GRCh38, chr3:25,764,062, plus strand): 5'-CAAAGCTTTTGCTGTTTCAACACTTTGAAAGAAACAGTTAAAGAAGGTTTAATTCTAACA[T>A]TACCGTTGAAGCAGATGGTGGATCTGATGACTGCCCTTGACGGTTCCTTGTGTGCTGGTT-3'